The following is an entry in ClinVar:

ClinVar aggregate classification (germline): Conflicting classifications of pathogenicity. Review status: criteria provided, conflicting classifications (1 of 4 stars). 3 submissions from 3 submitters: Uncertain significance (1); Likely benign (2). Last evaluated 2026-02-02.

Conditions:
Breast-ovarian cancer, familial, susceptibility to, 1 (BROVCA1). Also called: BRCA1 Hereditary Breast and Ovarian Cancer; OVARIAN CANCER, SUSCEPTIBILITY TO. Identifiers: Orphanet 145, MedGen C2676676, MONDO:0011450, OMIM 604370. Disease mechanism: loss of function.
Hereditary breast ovarian cancer syndrome. Also called: Hereditary breast and ovarian cancer syndrome; Breast and ovarian cancer; Hereditary breast and ovarian cancer syndrome (HBOC); Hereditary breast and/or ovarian cancer syndrome; BRCA1- and BRCA2-Associated Hereditary Breast and Ovarian Cancer; Hereditary breast and ovarian cancer. Identifiers: Orphanet 145, MedGen C0677776, MeSH D061325, MONDO:0003582. Disease mechanism: loss of function.

Allele frequency attached by ClinVar (database versions not stated): gnomAD below 0.00001 and 0.00001; gnomAD exomes 0.00005 and 0.00006.
gnomAD v4.1: 18 of 455,896 alleles (0.0039%); highest among the groups gnomAD compares: South Asian, 0.028%; no homozygotes.

Submissions (3):

Labcorp Genetics (formerly Invitae), Labcorp
Classification: Likely benign for Hereditary breast ovarian cancer syndrome. Last evaluated: 2026-02-02. Review status: criteria provided, single submitter. Criteria: Invitae Variant Classification Sherloc (09022015). Collection method: clinical testing. Allele origin: germline.

Illumina Laboratory Services, Illumina
Classification: Uncertain significance for Breast-ovarian cancer, familial, susceptibility to, 1. Last evaluated: 2018-01-13. Review status: criteria provided, single submitter. Criteria: ICSL Variant Classification Criteria 13 December 2019. Collection method: clinical testing. Allele origin: germline.

GeneDx
Classification: Likely benign. Last evaluated: 2017-10-06. Review status: criteria provided, single submitter. Criteria: GeneDx Variant Classification (06012015). Collection method: clinical testing. Allele origin: germline. Affected: yes.
Comment: This variant is considered likely benign or benign based on one or more of the following criteria: it is a conservative change, it occurs at a poorly conserved position in the protein, it is predicted to be benign by multiple in silico algorithms, and/or has population frequency not consistent with disease.

NM_007294.4(BRCA1):c.-20+13C>T

Genes: BRCA1 (BRCA1 DNA repair associated; minus strand), LOC111589215 (BRCA1 promoter region; plus strand). Cytogenetic location: 17q21.31.
Variant type: single nucleotide variant.
Coding change: c.-20+13C>T on transcript NM_007294.4 (MANE Select); 13 bases into the intron after 20 bases upstream of the start codon, C replaced by T.
Molecular consequence: intron variant. On other transcripts: non-coding transcript variant (1).
Genome position (GRCh38, 1-based): chr17:43,125,258, G>A on the plus strand (C>T on the coding strand, the complement: BRCA1 is on the minus strand). VCF-style: chr17-43125258-G-A. GRCh37 (hg19) VCF-style: chr17-41277275-G-A.
Other names: c.-107+19C>T (NM_007297.4); c.-20+19C>T (NM_007299.4); c.-20+13C>T (NM_007300.4).
Identifiers: ClinVar variation 382001 (VCV000382001.15), dbSNP rs770368390, ClinGen allele CA055026.
Genomic context (GRCh38, chr17:43,125,258, plus strand): 5'-GAAATCCACTCTCCCACGCCAGTACCCCAGAGCATCACTTGGGCCCCCTGTCCCTTTCCC[G>A]GGACTCTACTACCTTTACCCAGAGCAGAGGGTGAAGGCCTCCTGAGCGCAGGGGCCCAGT-3'